The following is an entry in ClinVar:

ClinVar aggregate classification (germline): Conflicting classifications of pathogenicity. Review status: criteria provided, conflicting classifications (1 of 4 stars). 10 submissions from 10 submitters: Uncertain significance (6); Likely benign (3). 1 of the submissions does not count toward it. Last evaluated 2025-12-22.

Conditions:
Classic or attenuated familial adenomatous polyposis. Identifiers: MedGen CN372698, MONDO:0021057.
Hereditary cancer-predisposing syndrome. Also called: Tumor predisposition; Hereditary neoplastic syndrome; Neoplastic Syndromes, Hereditary; Hereditary Cancer Syndrome. Identifiers: Orphanet 140162, MedGen C0027672, MeSH D009386, MONDO:0015356.
Familial adenomatous polyposis 1 (FAP1). Also called: FAMILIAL ADENOMATOUS POLYPOSIS 1, ATTENUATED; POLYPOSIS, ADENOMATOUS INTESTINAL. Identifiers: MedGen C2713442, MONDO:0021056, OMIM 175100. Disease mechanism: loss of function.

Allele frequency attached by ClinVar (database versions not stated): gnomAD 0.00001; TOPMed 0.00002; gnomAD exomes 0.00004.
gnomAD v4.1: 57 of 1,613,810 alleles (0.0035%); highest among the groups gnomAD compares: East Asian, 0.13%; no homozygotes.

Submissions (10):

Labcorp Genetics (formerly Invitae), Labcorp
Classification: Likely benign for Familial adenomatous polyposis 1. Last evaluated: 2025-12-22. Review status: criteria provided, single submitter. Criteria: Invitae Variant Classification Sherloc (09022015). Collection method: clinical testing. Allele origin: germline.

Color Diagnostics, LLC DBA Color Health
Classification: Uncertain significance for Hereditary cancer-predisposing syndrome. Last evaluated: 2024-04-10. Review status: criteria provided, single submitter. Criteria: ACMG Guidelines, 2015. Collection method: clinical testing. Allele origin: germline.
Comment: This missense variant replaces glutamine with arginine at codon 2322 of the APC protein. Computational prediction is inconclusive regarding the impact of this variant on protein structure and function (internally defined REVEL score threshold 0.5 < inconclusive < 0.7, PMID: 27666373). To our knowledge, functional studies have not been performed for this variant. This variant has been reported in trans with an individual with a whole-gene deletion of the APC gene with familial adenomatous polyposis phenotypes (PMID: 22799487) and an individual not selected for cancer or polyposis phenotypes (PMID: 28706299). In a large colorectal cancer study, this variant was observed in 78/12503 cases & 114/23705 controls (PMID: 33309985). This variant has not been identified in the general population by the Genome Aggregation Database (gnomAD). The available evidence is insufficient to determine the role of this variant in disease conclusively. Therefore, this variant is classified as a Variant of Uncertain Significance.

Women's Health and Genetics/Laboratory Corporation of America, LabCorp
Classification: Uncertain significance. Last evaluated: 2024-02-23. Review status: criteria provided, single submitter. Criteria: LabCorp Variant Classification Summary - May 2015. Collection method: clinical testing. Allele origin: germline.
Comment: Variant summary: APC c.6965A>G (p.Gln2322Arg) results in a conservative amino acid change located in the Adenomatous polyposis coli protein basic domain of the encoded protein sequence. Three of five in-silico tools predict a damaging effect of the variant on protein function. The variant was absent in 245592 control chromosomes. c.6965A>G has been reported in the literature at an apparently hemizygous state, along with a 5.2 Mb deletion encompassing the APC gene and 19 additional genes in an individual with suspected FAP and a strong family history of cancer (Torrezan_2012). Subsequently, this variant has been reported in the literature in one unspecified individual affected with Familial Adenomatous Polyposis, along with a VUS change in MLH3 gene (Takao_2021). Recently, a large case-control study evaluating Biliary tract cancer reported the variant VUS based on insignificant distribution between cases and controls (Okawa_2023). To our knowledge, no experimental evidence demonstrating an impact on protein function has been reported. The following publications have been ascertained in the context of this evaluation (PMID: 22799487, 36243179, 34106356). ClinVar contains an entry for this variant (Variation ID: 371818). Based on the evidence outlined above, the variant was classified as VUS-possibly benign.

All of Us Research Program, National Institutes of Health
Classification: Uncertain significance for Classic or attenuated familial adenomatous polyposis. Last evaluated: 2023-11-13. Review status: criteria provided, single submitter. Criteria: ACMG Guidelines, 2015. Collection method: clinical testing. Allele origin: germline. Inheritance: Autosomal dominant inheritance. Observed: 3 variant alleles, 3 heterozygotes.
Comment: This missense variant replaces glutamine with arginine at codon 2322 of the APC protein. Computational prediction is inconclusive regarding the impact of this variant on protein structure and function (internally defined REVEL score threshold 0.5 < inconclusive < 0.7, PMID: 27666373). To our knowledge, functional studies have not been performed for this variant. This variant has been reported in trans with an individual with a whole-gene deletion of the APC gene with familial adenomatous polyposis phenotypes (PMID: 22799487) and an individual not selected for cancer or polyposis phenotypes (PMID: 28706299). This variant has not been identified in the general population by the Genome Aggregation Database (gnomAD). The available evidence is insufficient to determine the role of this variant in disease conclusively. Therefore, this variant is classified as a Variant of Uncertain Significance.

This study involves interpretation of variants in research participants for the purpose of population health screening. Participant phenotype was not available at the time of variant classification. Additional details can be found in publication PMID: 35346344, PMCID: PMC8962531

Myriad Genetics, Inc.
Classification: Uncertain significance for Familial adenomatous polyposis 1. Last evaluated: 2023-02-14. Review status: criteria provided, single submitter. Criteria: Myriad Autosomal Dominant, Autosomal Recessive and X-Linked Classification Criteria (2023). Collection method: clinical testing. Allele origin: unknown.
Comment: This variant is classified as a variant of uncertain significance as there is insufficient evidence to determine its impact on protein function and/or cancer risk.

Quest Diagnostics Nichols Institute San Juan Capistrano
Classification: Uncertain significance. Last evaluated: 2021-08-12. Review status: criteria provided, single submitter. Criteria: Quest Diagnostics criteria. Collection method: clinical testing. Allele origin: unknown.

GeneDx
Classification: Likely benign. Last evaluated: 2021-02-23. Review status: criteria provided, single submitter. Criteria: GeneDx Variant Classification Process June 2021. Collection method: clinical testing. Allele origin: germline. Affected: yes.
Comment: This variant is associated with the following publications: (PMID: 22799487)

Mendelics
Classification: Uncertain significance for Familial adenomatous polyposis 1. Last evaluated: 2018-07-02. Review status: criteria provided, single submitter. Criteria: Mendelics Assertion Criteria 2017. Collection method: clinical testing. Allele origin: unknown.

Ambry Genetics
Classification: Likely benign for Hereditary cancer-predisposing syndrome. Last evaluated: 2018-05-23. Review status: criteria provided, single submitter. Criteria: Ambry Variant Classification Scheme 2023. Collection method: clinical testing. Allele origin: germline.

Counsyl
Classification: Uncertain significance for Familial adenomatous polyposis 1. Last evaluated: 2016-01-28. Review status: no assertion criteria provided. Collection method: clinical testing. Allele origin: unknown. Not counted in ClinVar's aggregate classification.

Literature cited by the submitters: PubMed 22799487 (cited by 6 submitters); PubMed 28706299 (cited by Color Diagnostics, LLC DBA Color Health and All of Us Research Program, National Institutes of Health); PubMed 33309985 (cited by Color Diagnostics, LLC DBA Color Health and Quest Diagnostics Nichols Institute San Juan Capistrano); PubMed 36243179 (cited by Women's Health and Genetics/Laboratory Corporation of America, LabCorp); PubMed 34106356 (cited by Women's Health and Genetics/Laboratory Corporation of America, LabCorp and Quest Diagnostics Nichols Institute San Juan Capistrano).

NM_000038.6(APC):c.6965A>G (p.Gln2322Arg)

Gene: APC (APC regulator of Wnt signaling pathway; plus strand). Cytogenetic location: 5q22.2.
Variant type: single nucleotide variant.
Coding change: c.6965A>G on transcript NM_000038.6 (MANE Select); coding-DNA position 6965, A replaced by G.
Protein change: p.Gln2322Arg; replaces glutamine 2322 with arginine.
Molecular consequence: missense variant.
Genome position (GRCh38, 1-based): chr5:112,842,559, A>G. VCF-style: chr5-112842559-A-G. GRCh37 (hg19) VCF-style: chr5-112178256-A-G.
Other names: c.6965A>G, p.Gln2322Arg (NM_001127510.3, NM_001354895.2); c.6911A>G, p.Gln2304Arg (NM_001127511.3); c.7019A>G, p.Gln2340Arg (NM_001354896.2); c.6995A>G, p.Gln2332Arg (NM_001354897.2); c.6890A>G, p.Gln2297Arg (NM_001354898.2); c.6881A>G, p.Gln2294Arg (NM_001354899.2); c.6842A>G, p.Gln2281Arg (NM_001354900.2); c.6788A>G, p.Gln2263Arg (NM_001354901.2); and 5 more; short protein forms Q2304R, Q2322R, Q2221R, Q2263R, Q2297R, Q2332R, Q2340R, Q2162R.
Identifiers: ClinVar variation 371818 (VCV000371818.34), dbSNP rs1057517549, ClinGen allele CA16036522.